The following continues an entry in ClinVar:

NM_000138.5(FBN1):c.6388G>A (p.Glu2130Lys)

Gene: FBN1. ClinVar aggregate classification (germline): Pathogenic/Likely pathogenic. Pathogenic (12); Likely pathogenic (5).

Submissions 11 to 18 of 18:

Centre of Medical Genetics, University Hospital Muenster
Classification: Pathogenic. Last evaluated: 2021-12-20. Review status: criteria provided, single submitter. Criteria: ACMG Guidelines, 2015. Collection method: clinical testing. Allele origin: unknown. Affected: yes. Observed: 1 variant allele, 1 heterozygote.
Comment: ACMG categories: PS1,PM1,PM2,PP3,PP4

Centre of Medical Genetics, University of Antwerp
Classification: Likely pathogenic for Marfan syndrome. Last evaluated: 2021-03-01. Review status: criteria provided, single submitter. Criteria: Submitter's publication. Collection method: research. Allele origin: unknown. Affected: yes.
Comment: PM2, PS6, PP4

CHEO Genetics Diagnostic Laboratory, Children's Hospital of Eastern Ontario
Classification: Likely pathogenic for Familial thoracic aortic aneurysm and aortic dissection. Last evaluated: 2020-02-19. Review status: criteria provided, single submitter. Criteria: ACMG Guidelines, 2015. Collection method: clinical testing. Allele origin: germline.

ARUP Laboratories, Molecular Genetics and Genomics, ARUP Laboratories
Classification: Pathogenic. Last evaluated: 2017-08-20. Review status: criteria provided, single submitter. Criteria: ARUP Molecular Germline Variant Investigation Process. Collection method: clinical testing. Allele origin: germline.
Comment: The FBN1 c.6388G>A, p.Glu2130Lys variant has been reported in multiple individuals diagnosed with Marfan syndrome (Tjeldhorn 2006, Rand-Hendriksen 2007, Attanasio 2008, Stheneur 2009). It is listed in the ClinVar database (Variation ID: 200191), in the dbSNP variant database (rs794728334), but not observed in the general population databases (1000 Genomes Project, Exome Variant Server, Exome Aggregation Consortium). The glutamine at residue 2130 is highly conserved, lies in the cbEGF domain, and any variation in the conserved residues of the consensus sequence is considered pathogenic (Loeys 2010). Additionally, computational algorithms (Mutation Taster, PolyPhen-2, SIFT) predict that the variant has an impact on the protein. Based on the above information, the variant is classified as pathogenic. References: Attanasio M et al. FBN1 mutation screening of patients with Marfan syndrome and related disorders: detection of 46 novel FBN1 mutations. Clin Genet. 2008 74(1):39-46. Loeys BL et al. The revised Ghent nosology for the Marfan syndrome. J Med Genet. 2010 Jul;47(7):476-85. Rand-Hendriksen S et al. Search for correlations between FBN1 genotype and complete Ghent phenotype in 44 unrelated Norwegian patients with Marfan syndrome. Am J Med Genet A. 2007 143A(17):1968-77. Stheneur C et al. Identification of the minimal combination of clinical features in probands for efficient mutation detection in the FBN1 gene. Eur J Hum Genet. 2009 17(9):1121-8 Tjeldhorn L et al. Rapid and efficient FBN1 mutation detection using automated sample preparation and direct sequencing as the primary strategy. Genet Test. 2006 10(4):258-64.

Center for Human Genetics, Inc
Classification: Pathogenic for Marfan syndrome. Last evaluated: 2016-11-01. Review status: criteria provided, single submitter. Criteria: ACMG Guidelines, 2015. Collection method: clinical testing. Allele origin: germline. Affected: yes.

Center for Genomics, Ann and Robert H. Lurie Children's Hospital of Chicago
Classification: Likely pathogenic for Geleophysic dysplasia 2; Weill-Marchesani syndrome 2, dominant; Ectopia lentis 1, isolated, autosomal dominant; MASS syndrome; Progeroid and marfanoid aspect-lipodystrophy syndrome; Acromicric dysplasia; Marfan syndrome; Stiff skin syndrome. Review status: criteria provided, single submitter. Criteria: ACMG Guidelines, 2015. Collection method: clinical testing. Allele origin: germline.
Comment: This variant was also reported to segregate with disease in at least 3 affected family members (Al-Haggar 2017 PMID:28098115). This variant is not present in large control databases. It is present in ClinVar, with several labs classifying this variant as likely pathogenic or pathogenic (Variation ID:200191). Evolutionary conservation and computational predictive tools support that this variant may impact the protein. In summary, data on this variant is highly suspicious for disease, but requires further evidence for pathogenicity. Therefore, this variant classified as likely pathogenic.

Juno Genomics, Hangzhou Juno Genomics, Inc
Classification: Pathogenic for Acromicric dysplasia; Ectopia lentis 1, isolated, autosomal dominant; Geleophysic dysplasia 2; MASS syndrome; Progeroid and marfanoid aspect-lipodystrophy syndrome; Marfan syndrome; Stiff skin syndrome; Weill-Marchesani syndrome 2, dominant. Review status: criteria provided, single submitter. Criteria: ACMG Guidelines, 2015. Collection method: clinical testing. Allele origin: germline. Affected: yes.
Comment: Absent from controls (or at extremely low frequency if recessive) in Genome Aggregation Database, Exome Sequencing Project, 1000 Genomes Project, or Exome Aggregation Consortium.;The prevalence of the variant in affected individuals is significantly increased compared to the prevalence in controls.;Co-segregation with disease in multiple affected family members in a gene definitively known to cause the disease.;Patient's phenotype or family history is highly specific for a disease with a single genetic etiology.;Multiple lines of computational evidence support a deleterious effect on the gene or gene product (conservation, evolutionary, splicing impact, etc).;Missense variant in a gene that has a low rate of benign missense variation and where missense variants are a common mechanism of disease.

Center for Medical Genetics Ghent, University of Ghent
Classification: Likely pathogenic for Marfan syndrome. Last evaluated: 2017-11-07. Review status: no assertion criteria provided. Collection method: clinical testing. Allele origin: germline. Affected: yes. Not counted in ClinVar's aggregate classification.

Literature cited by the submitters: PubMed 17253931 (cited by 4 submitters); PubMed 29845260 (cited by 4 submitters); PubMed 28098115 (cited by 4 submitters); PubMed 31825148 (cited by Variantyx, Inc. and Department of Clinical Genetics, Copenhagen University Hospital, Rigshospitalet); PubMed 32209317 (cited by Variantyx, Inc.); PubMed 19293843 (cited by Labcorp Genetics (formerly Invitae), Labcorp and Ambry Genetics); PubMed 19533785 (cited by 3 submitters); PubMed 35058154 (cited by Department of Clinical Genetics, Copenhagen University Hospital, Rigshospitalet); PubMed 36729443 (cited by Department of Clinical Genetics, Copenhagen University Hospital, Rigshospitalet); PubMed 34456093 (cited by Department of Clinical Genetics, Copenhagen University Hospital, Rigshospitalet and Ambry Genetics); PubMed 32679894 (cited by Department of Clinical Genetics, Copenhagen University Hospital, Rigshospitalet and Ambry Genetics); PubMed 17663468 (cited by Ambry Genetics and 3billion); PubMed 18435798 (cited by Ambry Genetics and 3billion); PubMed 27582083 (cited by Ambry Genetics); PubMed 31098894 (cited by Ambry Genetics).